The following is an entry in ClinVar:

NM_000342.4(SLC4A1):c.237G>A (p.Ala79=)

Gene: SLC4A1 (solute carrier family 4 member 1 (Diego blood group); minus strand). Cytogenetic location: 17q21.31.
Variant type: single nucleotide variant.
Coding change: c.237G>A on transcript NM_000342.4 (MANE Select); coding-DNA position 237, G replaced by A.
Protein change: p.Ala79=; no amino-acid change (alanine 79 retained).
Molecular consequence: synonymous variant.
Genome position (GRCh38, 1-based): chr17:44,260,747, C>T on the plus strand (G>A on the coding strand, the complement: SLC4A1 is on the minus strand). VCF-style: chr17-44260747-C-T. GRCh37 (hg19) VCF-style: chr17-42338115-C-T.
Other names: p.Ala79=.
Identifiers: ClinVar variation 2886170 (VCV002886170.4), dbSNP rs371489580, ClinGen allele CA8600658.

ClinVar aggregate classification (germline): Likely benign. Review status: criteria provided, multiple submitters, no conflicts (2 of 4 stars). 2 submissions from 2 submitters: Likely benign (2). Last evaluated 2026-01-06.

Allele frequency attached by ClinVar (database versions not stated): gnomAD 0.00006; TOPMed 0.00008; ESP Exome Variant Server 0.00023; 1000 Genomes Project 30x 0.00062; 1000 Genomes Project 0.00040; ExAC 0.00008.
gnomAD v4.1: 150 of 1,614,102 alleles (0.0093%); highest among the groups gnomAD compares: Non-Finnish European, 0.012%; no homozygotes.

Submissions (2):

Labcorp Genetics (formerly Invitae), Labcorp
Classification: Likely benign. Last evaluated: 2026-01-06. Review status: criteria provided, single submitter. Criteria: Invitae Variant Classification Sherloc (09022015). Collection method: clinical testing. Allele origin: germline.

Mayo Clinic Laboratories, Mayo Clinic
Classification: Likely benign. Last evaluated: 2025-02-11. Review status: criteria provided, single submitter. Criteria: ACMG Guidelines, 2015. Collection method: clinical testing. Allele origin: germline. Observed: 1 variant allele.
Comment: BP4, BP7